The following is an entry in ClinVar:

ClinVar aggregate classification (germline): Pathogenic (1 of 4 stars; one submission).

Submission:

GeneDx
Classification: Pathogenic. Last evaluated: 2022-08-23. Review status: criteria provided, single submitter. Criteria: GeneDx Variant Classification Process June 2021. Collection method: clinical testing. Allele origin: germline. Affected: yes.
Comment: Frameshift variant predicted to result in protein truncation or nonsense mediated decay in a gene for which loss of function is a known mechanism of disease; Not observed at significant frequency in large population cohorts (gnomAD); This variant is associated with the following publications: (PMID: 25473036)

NM_080632.3(UPF3B):c.1091_1094del (p.Glu364fs)

Gene: UPF3B (UPF3B regulator of nonsense mediated mRNA decay; minus strand). Cytogenetic location: Xq24.
Variant type: Microsatellite.
Coding change: c.1091_1094del on transcript NM_080632.3 (MANE Select); coding-DNA positions 1091 to 1094, 4 bases deleted (AGAG; older notation c.1091_1094delAGAG).
Protein change: p.Glu364fs; shifts the reading frame from glutamic acid 364.
Molecular consequence: frameshift variant.
Genome position (GRCh38, 1-based): chrX:119,837,965-119,837,968, CTCT deleted on the plus strand (AGAG on the coding strand, the reverse complement: UPF3B is on the minus strand); deleting any 4 consecutive bases within chrX:119,837,965-119,837,972 gives the same sequence; the c. name uses the placement nearest the transcript's 3' end. VCF-style (leftmost placement, unchanged base first): chrX-119837964-CCTCT-C. GRCh37 (hg19) VCF-style: chrX-118971927-CCTCT-C.
Other names: c.1052_1055del, p.Glu351fs (NM_023010.4); short protein forms E351fs, E364fs.
Identifiers: ClinVar variation 2430487 (VCV002430487.1), dbSNP rs2521511100, ClinGen allele CA658792556.
Genomic context (GRCh38, chrX:119,837,964, plus strand): 5'-AGTCTTCTCTTTCTCATAGCGCTCCTTCTGCCTACGGCGCTCTTCTTCTTGCCGCTTCAG[CCTCT>C]CTCTTTCTCGAAGTATGCGCTCCTGATCTCGTTCATATTCCCGTTCCCTCTCCCTATAGT-3'